The following is an entry in ClinVar:

NM_001378120.1(MBD5):c.3692A>C (p.Gln1231Pro)

Gene: MBD5 (methyl-CpG binding domain protein 5; plus strand). Cytogenetic location: 2q23.1.
Variant type: single nucleotide variant.
Coding change: c.3692A>C on transcript NM_001378120.1 (MANE Select); coding-DNA position 3692, A replaced by C.
Protein change: p.Gln1231Pro; replaces glutamine 1231 with proline.
Molecular consequence: missense variant.
Genome position (GRCh38, 1-based): chr2:148,485,889, A>C. VCF-style: chr2-148485889-A-C. GRCh37 (hg19) VCF-style: chr2-149243458-A-C.
Other names: c.2993A>C, p.Gln998Pro (NM_018328.5); short protein forms Q998P, Q1231P.
Identifiers: ClinVar variation 2845772 (VCV002845772.3), dbSNP rs2469996756, ClinGen allele CA348724666.
Genomic context (GRCh38, chr2:148,485,889, plus strand): 5'-CAAATCAGCAACAGCAGCAACTTCTCCAGGGGTACCAGAATCTCCAGGCGTTCCAAGGAC[A>C]GTCCACAATTCCTTGCCCAGCTAACAATAACCCCATGGCTTGTCTGTTTCAGAACTTTCA-3'
Protein context (NP_001365049.1, residues 1221-1241): GYQNLQAFQG[Gln1231Pro]STIPCPANNN

ClinVar aggregate classification (germline): Uncertain significance (1 of 4 stars; one submission).

Conditions:
Intellectual developmental disorder, autosomal dominant 1. Also called: MBD5 Haploinsufficiency; Intellectual disability, autosomal dominant 1. Identifiers: Orphanet 228402, MedGen C1969562, MONDO:0007974, OMIM 156200.

gnomAD v4.1: 1 of 1,614,150 alleles (0.000062%); highest among the groups gnomAD compares: South Asian, 0.0011%; no homozygotes.

Submission:

Labcorp Genetics (formerly Invitae), Labcorp
Classification: Uncertain significance for Intellectual developmental disorder, autosomal dominant 1. Last evaluated: 2023-12-11. Review status: criteria provided, single submitter. Criteria: Invitae Variant Classification Sherloc (09022015). Collection method: clinical testing. Allele origin: germline.
Comment: This sequence change replaces glutamine, which is neutral and polar, with proline, which is neutral and non-polar, at codon 998 of the MBD5 protein (p.Gln998Pro). This variant is not present in population databases (gnomAD no frequency). This variant has not been reported in the literature in individuals affected with MBD5-related conditions. Advanced modeling of protein sequence and biophysical properties (such as structural, functional, and spatial information, amino acid conservation, physicochemical variation, residue mobility, and thermodynamic stability) performed at Invitae indicates that this missense variant is not expected to disrupt MBD5 protein function with a negative predictive value of 80%. In summary, the available evidence is currently insufficient to determine the role of this variant in disease. Therefore, it has been classified as a Variant of Uncertain Significance.